The following is an entry in ClinVar:

NM_006389.5(HYOU1):c.2938+9G>A

Gene: HYOU1 (hypoxia up-regulated 1; minus strand). Cytogenetic location: 11q23.3.
Variant type: single nucleotide variant.
Coding change: c.2938+9G>A on transcript NM_006389.5 (MANE Select); 9 bases into the intron after coding-DNA position 2938, G replaced by A.
Molecular consequence: intron variant.
Genome position (GRCh38, 1-based): chr11:119,045,772, C>T on the plus strand (G>A on the coding strand, the complement: HYOU1 is on the minus strand). VCF-style: chr11-119045772-C-T. GRCh37 (hg19) VCF-style: chr11-118916484-C-T.
Other names: c.2938+9G>A (NM_001130991.3); c.2941+9G>A (NM_001411041.1).
Identifiers: ClinVar variation 4997668 (VCV004997668.1).

ClinVar aggregate classification (germline): Likely benign (1 of 4 stars; one submission).

Conditions:
HYOU1-related disorder. Also called: HYOU1-related condition.

Submission:

PreventionGenetics, part of Exact Sciences
Classification: Likely benign for HYOU1-related condition. Last evaluated: 2025-08-13. Review status: criteria provided, single submitter. Criteria: ACMG Guidelines, 2015. Collection method: clinical testing. Allele origin: germline.
Comment: This variant is classified as likely benign based on ACMG/AMP sequence variant interpretation guidelines (Richards et al. 2015 PMID: 25741868, with internal and published modifications).